The following is an entry in ClinVar:

ClinVar aggregate classification (germline): Conflicting classifications of pathogenicity. Review status: criteria provided, conflicting classifications (1 of 4 stars). 2 submissions from 2 submitters: Uncertain significance (1); Likely benign (1). Last evaluated 2023-03-30.

Conditions:
Inborn genetic diseases. Identifiers: MedGen C0950123, MeSH D030342.

Allele frequency attached by ClinVar (database versions not stated): TOPMed below 0.00001; gnomAD exomes 0.00002; ExAC 0.00004.
gnomAD v4.1: 26 of 1,613,730 alleles (0.0016%); highest among the groups gnomAD compares: South Asian, 0.029%; no homozygotes.

Submissions (2):

Labcorp Genetics (formerly Invitae), Labcorp
Classification: Uncertain significance. Last evaluated: 2023-03-30. Review status: criteria provided, single submitter. Criteria: Invitae Variant Classification Sherloc (09022015). Collection method: clinical testing. Allele origin: germline.
Comment: In summary, the available evidence is currently insufficient to determine the role of this variant in disease. Therefore, it has been classified as a Variant of Uncertain Significance. This sequence change replaces valine, which is neutral and non-polar, with alanine, which is neutral and non-polar, at codon 680 of the GSN protein (p.Val680Ala). This variant is present in population databases (rs757131212, gnomAD 0.02%). This variant has not been reported in the literature in individuals affected with GSN-related conditions. ClinVar contains an entry for this variant (Variation ID: 1392262). An algorithm developed to predict the effect of missense changes on protein structure and function (PolyPhen-2) suggests that this variant is likely to be tolerated.

Ambry Genetics
Classification: Likely benign for Inborn genetic diseases. Last evaluated: 2022-08-15. Review status: criteria provided, single submitter. Criteria: Ambry Variant Classification Scheme 2023. Collection method: clinical testing. Allele origin: germline.

NM_198252.3(GSN):c.1886T>C (p.Val629Ala)

Gene: GSN (gelsolin; plus strand). Cytogenetic location: 9q33.2.
Variant type: single nucleotide variant.
Coding change: c.1886T>C on transcript NM_198252.3 (MANE Select); coding-DNA position 1886, T replaced by C.
Protein change: p.Val629Ala; replaces valine 629 with alanine.
Molecular consequence: missense variant.
Genome position (GRCh38, 1-based): chr9:121,329,014, T>C. VCF-style: chr9-121329014-T-C. GRCh37 (hg19) VCF-style: chr9-124091292-T-C.
Other names: c.2039T>C, p.Val680Ala (NM_000177.5); c.1886T>C, p.Val629Ala (NM_001127662.2, NM_001127664.2, NM_001127665.2 and 10 more transcripts); c.1994T>C, p.Val665Ala (NM_001127663.2); c.1919T>C, p.Val640Ala (NM_001127666.2, NM_001127667.2, NM_001353063.2 and 13 more transcripts); c.1937T>C, p.Val646Ala (NM_001258029.2); c.1910T>C, p.Val637Ala (NM_001258030.2); c.1958T>C, p.Val653Ala (NM_001353076.2); c.1232T>C, p.Val411Ala (NM_001353078.2); short protein forms V646A, V411A, V653A, V665A, V629A, V637A, V640A, V680A.
Identifiers: ClinVar variation 1392262 (VCV001392262.10), dbSNP rs757131212, ClinGen allele CA5221442.